The following is an entry in ClinVar:

NM_000350.3(ABCA4):c.3260A>G (p.Glu1087Gly)

Gene: ABCA4 (ATP binding cassette subfamily A member 4; minus strand). Cytogenetic location: 1p22.1.
Variant type: single nucleotide variant.
Coding change: c.3260A>G on transcript NM_000350.3 (MANE Select); coding-DNA position 3260, A replaced by G.
Protein change: p.Glu1087Gly; replaces glutamic acid 1087 with glycine.
Molecular consequence: missense variant.
Genome position (GRCh38, 1-based): chr1:94,042,829, T>C on the plus strand (A>G on the coding strand, the complement: ABCA4 is on the minus strand). VCF-style: chr1-94042829-T-C. GRCh37 (hg19) VCF-style: chr1-94508385-T-C.
Other names: c.3038A>G, p.Glu1013Gly (NM_001425324.1); short protein forms E1087G, E1013G.
Identifiers: ClinVar variation 1068257 (VCV001068257.10), dbSNP rs1278743459, ClinGen allele CA341292153.

ClinVar aggregate classification (germline): Pathogenic. Review status: criteria provided, multiple submitters, no conflicts (2 of 4 stars). 2 submissions from 2 submitters: Pathogenic (2). Last evaluated 2025-05-27.

Conditions:
ABCA4-related disorder. Also called: ABCA4-related disorders; ABCA4-related condition. Identifiers: MedGen CN239167.

Allele frequency attached by ClinVar (database versions not stated): gnomAD exomes below 0.00001; TOPMed below 0.00001; gnomAD 0.00001.
gnomAD v4.1: 3 of 1,614,052 alleles (0.00019%); highest among the groups gnomAD compares: Non-Finnish European, 0.00025%; no homozygotes.

Submissions (2):

Labcorp Genetics (formerly Invitae), Labcorp
Classification: Pathogenic. Last evaluated: 2025-05-27. Review status: criteria provided, single submitter. Criteria: Invitae Variant Classification Sherloc (09022015). Collection method: clinical testing. Allele origin: germline.
Comment: This sequence change replaces glutamic acid, which is acidic and polar, with glycine, which is neutral and non-polar, at codon 1087 of the ABCA4 protein (p.Glu1087Gly). This variant is present in population databases (no rsID available, gnomAD 0.002%). This missense change has been observed in individual(s) with ABCA4-related conditions (PMID: 29925512, 33173045). It has also been observed to segregate with disease in related individuals. ClinVar contains an entry for this variant (Variation ID: 1068257). Invitae Evidence Modeling of protein sequence and biophysical properties (such as structural, functional, and spatial information, amino acid conservation, physicochemical variation, residue mobility, and thermodynamic stability) indicates that this missense variant is expected to disrupt ABCA4 protein function with a positive predictive value of 95%. This variant disrupts the p.Glu1087 amino acid residue in ABCA4. Other variant(s) that disrupt this residue have been determined to be pathogenic (PMID: 19265867, 22264887, 28559085, 30576320). This suggests that this residue is clinically significant, and that variants that disrupt this residue are likely to be disease-causing. For these reasons, this variant has been classified as Pathogenic.

Blueprint Genetics
Classification: Pathogenic for ABCA4-related disorders. Last evaluated: 2019-05-31. Review status: criteria provided, single submitter. Criteria: ACMG Guidelines, 2015. Collection method: clinical testing. Allele origin: germline. Affected: yes. Observed: 1 variant allele.

Literature cited by the submitters: PubMed 29925512 (cited by Labcorp Genetics (formerly Invitae), Labcorp); PubMed 33173045 (cited by Labcorp Genetics (formerly Invitae), Labcorp); PubMed 19265867 (cited by Labcorp Genetics (formerly Invitae), Labcorp); PubMed 22264887 (cited by Labcorp Genetics (formerly Invitae), Labcorp); PubMed 28559085 (cited by Labcorp Genetics (formerly Invitae), Labcorp); PubMed 30576320 (cited by Labcorp Genetics (formerly Invitae), Labcorp).